The following is an entry in ClinVar:

ClinVar aggregate classification (germline): Likely pathogenic (1 of 4 stars; one submission).

Conditions:
Anemia, nonspherocytic hemolytic, due to G6PD deficiency (CNSHA1). Also called: Hemolytic anemia due to G6PD deficiency; Class I glucose-6-phosphate dehydrogenase deficiency; Favism, susceptibility to; ANEMIA, CONGENITAL, NONSPHEROCYTIC HEMOLYTIC, 1. Identifiers: Orphanet 466026, MedGen C2720289, MONDO:0010480, OMIM 300908.

Submission:

Dunham Lab, University of Washington
Classification: Likely pathogenic for Anemia, nonspherocytic hemolytic, due to G6PD deficiency. Last evaluated: 2022-08-12. Review status: criteria provided, single submitter. Criteria: Bayesian ACMG Guidelines, 2018. Collection method: curation. Allele origin: unknown. Affected: yes.
Comment: Decreased activity in red blood cells (16%) (PS3). Alters dimerization domain (PM1). Not found in gnomAD (PM2). Post_P 0.988 (odds of pathogenicity 729.3, Prior_P 0.1).

Literature cited by the submitters: PubMed 7803800; PubMed 31294066.

NM_001360016.2(G6PD):c.1166A>G (p.Glu389Gly)

Gene: G6PD (glucose-6-phosphate dehydrogenase; minus strand). Cytogenetic location: Xq28.
Variant type: single nucleotide variant.
Coding change: c.1166A>G on transcript NM_001360016.2 (MANE Select); coding-DNA position 1166, A replaced by G.
Protein change: p.Glu389Gly; replaces glutamic acid 389 with glycine.
Molecular consequence: missense variant.
Genome position (GRCh38, 1-based): chrX:154,532,688, T>C on the plus strand (A>G on the coding strand, the complement: G6PD is on the minus strand). VCF-style: chrX-154532688-T-C. GRCh37 (hg19) VCF-style: chrX-153760903-T-C.
Other names: G6PD Praha; c.1256A>G, p.Glu419Gly (NM_000402.4); c.1166A>G, p.Glu389Gly (NM_001042351.3); short protein forms E389G, E419G.
Identifiers: ClinVar variation 1722618 (VCV001722618.2), dbSNP rs2523262731, ClinGen allele CA415234077.